The following is an entry in ClinVar:

ClinVar aggregate classification (germline): Uncertain significance (1 of 4 stars; one submission).

Conditions:
ARHGAP29-related disorder. Also called: ARHGAP29-Related Disorders; ARHGAP29-related condition.

Submission:

PreventionGenetics, part of Exact Sciences
Classification: Uncertain significance for ARHGAP29-related condition. Last evaluated: 2025-03-24. Review status: criteria provided, single submitter. Criteria: ACMG Guidelines, 2015. Collection method: clinical testing. Allele origin: germline.
Comment: The ARHGAP29 c.230T>C variant is predicted to result in the amino acid substitution p.Ile77Thr. To our knowledge, this variant has not been reported in the literature. This variant is reported in 0.0089% of alleles in individuals of Latino descent in gnomAD. At this time, the clinical significance of this variant is uncertain due to the absence of conclusive functional and genetic evidence.

NM_004815.4(ARHGAP29):c.230T>C (p.Ile77Thr)

Gene: ARHGAP29 (Rho GTPase activating protein 29; minus strand). Cytogenetic location: 1p22.1.
Variant type: single nucleotide variant.
Coding change: c.230T>C on transcript NM_004815.4 (MANE Select); coding-DNA position 230, T replaced by C.
Protein change: p.Ile77Thr; replaces isoleucine 77 with threonine.
Molecular consequence: missense variant.
Genome position (GRCh38, 1-based): chr1:94,220,368, A>G on the plus strand (T>C on the coding strand, the complement: ARHGAP29 is on the minus strand). VCF-style: chr1-94220368-A-G. GRCh37 (hg19) VCF-style: chr1-94685924-A-G.
Other names: c.230T>C, p.Ile77Thr (NM_001328664.2, NM_001328666.2); c.38T>C, p.Ile13Thr (NM_001328665.2, NM_001328667.2); short protein forms I77T, I13T.
Identifiers: ClinVar variation 4981940 (VCV004981940.1).